The following is an entry in ClinVar:

ClinVar aggregate classification (germline): Uncertain significance. Review status: criteria provided, multiple submitters, no conflicts (2 of 4 stars). 2 submissions from 2 submitters: Uncertain significance (2). Last evaluated 2023-03-01.

Conditions:
Charcot-Marie-Tooth disease type 2E (CMT2E). Also called: CHARCOT-MARIE-TOOTH NEUROPATHY, TYPE 2E; CHARCOT-MARIE-TOOTH DISEASE, AXONAL, TYPE 2E. Identifiers: Orphanet 99939, MedGen C1843225, MONDO:0011894, OMIM 607684.

Submissions (2):

Greenwood Genetic Center Diagnostic Laboratories, Greenwood Genetic Center
Classification: Uncertain significance. Last evaluated: 2023-03-01. Review status: criteria provided, single submitter. Criteria: ACMG Guidelines, 2015. Collection method: clinical testing. Allele origin: germline. Affected: yes.
Comment: PM2

Labcorp Genetics (formerly Invitae), Labcorp
Classification: Uncertain significance for Charcot-Marie-Tooth disease type 2E. Last evaluated: 2022-10-30. Review status: criteria provided, single submitter. Criteria: Invitae Variant Classification Sherloc (09022015). Collection method: clinical testing. Allele origin: germline.
Comment: In summary, the available evidence is currently insufficient to determine the role of this variant in disease. Therefore, it has been classified as a Variant of Uncertain Significance. Advanced modeling of protein sequence and biophysical properties (such as structural, functional, and spatial information, amino acid conservation, physicochemical variation, residue mobility, and thermodynamic stability) performed at Invitae indicates that this missense variant is expected to disrupt NEFL protein function. This variant has not been reported in the literature in individuals affected with NEFL-related conditions. This variant is not present in population databases (gnomAD no frequency). This sequence change replaces leucine, which is neutral and non-polar, with histidine, which is basic and polar, at codon 375 of the NEFL protein (p.Leu375His).

NM_006158.5(NEFL):c.1124T>A (p.Leu375His)

Genes: NEFL (neurofilament light chain; minus strand), LOC126860330 (BRD4-independent group 4 enhancer GRCh37_chr8:24811677-24812876; plus strand). Cytogenetic location: 8p21.2.
Variant type: single nucleotide variant.
Coding change: c.1124T>A on transcript NM_006158.5 (MANE Select); coding-DNA position 1124, T replaced by A.
Protein change: p.Leu375His; replaces leucine 375 with histidine.
Molecular consequence: missense variant.
Genome position (GRCh38, 1-based): chr8:24,954,226, A>T on the plus strand (T>A on the coding strand, the complement: NEFL is on the minus strand). VCF-style: chr8-24954226-A-T. GRCh37 (hg19) VCF-style: chr8-24811740-A-T.
Other names: short protein forms L375H.
Identifiers: ClinVar variation 2505189 (VCV002505189.4), dbSNP rs2486883138, ClinGen allele CA370620861.
Genomic context (GRCh38, chr8:24,954,226, plus strand): 5'-CCCCTCTATTTTCACCTGTAAGCTGCAATCTCAATATCCAAAGCCATCTTCACGTTGAGG[A>T]GGTCTTGGTATTCTTTTAGGTATCGTGCCATTTCACTCTTTGTGGTCCTCAATTCATTTT-3'
Protein context (NP_006149.2, residues 365-385): MARYLKEYQD[Leu375His]LNVKMALDIE